The following is an entry in ClinVar:

ClinVar aggregate classification (germline): Pathogenic/Likely pathogenic. Review status: criteria provided, multiple submitters, no conflicts (2 of 4 stars). 2 submissions from 2 submitters: Pathogenic (1); Likely pathogenic (1). Last evaluated 2024-05-13.

Conditions:
Eichsfeld type congenital muscular dystrophy (CMYO3). Also called: MYOPATHY, SEPN1-RELATED; Rigid spine muscular dystrophy 1; SELENON-related myopathy; Congenital myopathy 3 with rigid spine. Identifiers: MedGen C0410180, MONDO:0100100, OMIM 602771.

Allele frequency attached by ClinVar (database versions not stated): TOPMed below 0.00001; gnomAD exomes 0.00001.
gnomAD v4.1: 1 of 1,094,638 alleles (0.000091%); no homozygotes.

Submissions (2):

Fulgent Genetics
Classification: Likely pathogenic for Eichsfeld type congenital muscular dystrophy. Last evaluated: 2024-05-13. Review status: criteria provided, single submitter. Criteria: ACMG Guidelines, 2015. Collection method: clinical testing. Allele origin: germline.

Labcorp Genetics (formerly Invitae), Labcorp
Classification: Pathogenic for Eichsfeld type congenital muscular dystrophy. Last evaluated: 2022-07-12. Review status: criteria provided, single submitter. Criteria: Invitae Variant Classification Sherloc (09022015). Collection method: clinical testing. Allele origin: germline.
Comment: For these reasons, this variant has been classified as Pathogenic. ClinVar contains an entry for this variant (Variation ID: 574438). This premature translational stop signal has been observed in individuals with SELENON-related conditions (PMID: 21670436). It has also been observed to segregate with disease in related individuals. This variant is not present in population databases (gnomAD no frequency). This sequence change creates a premature translational stop signal (p.Gln56*) in the SELENON gene. It is expected to result in an absent or disrupted protein product. Loss-of-function variants in SELENON are known to be pathogenic (PMID: 21131290, 21670436).

Literature cited by the submitters: PubMed 21670436 (cited by Labcorp Genetics (formerly Invitae), Labcorp); PubMed 21131290 (cited by Labcorp Genetics (formerly Invitae), Labcorp).

NM_206926.2(SELENON):c.166C>T (p.Gln56Ter)

Gene: SELENON (selenoprotein N; plus strand). Cytogenetic location: 1p36.11.
Variant type: single nucleotide variant.
Coding change: c.166C>T on transcript NM_206926.2 (MANE Select); coding-DNA position 166, C replaced by T.
Protein change: p.Gln56Ter; replaces glutamine 56 with a stop codon.
Molecular consequence: nonsense.
Genome position (GRCh38, 1-based): chr1:25,800,396, C>T. VCF-style: chr1-25800396-C-T. GRCh37 (hg19) VCF-style: chr1-26126887-C-T.
Other names: c.166C>T, p.Gln56Ter (NM_020451.3); short protein forms Q56*.
Identifiers: ClinVar variation 574438 (VCV000574438.10), dbSNP rs1557814050, ClinGen allele CA339106289.